The following is an entry in ClinVar:

ClinVar aggregate classification (germline): Uncertain significance (1 of 4 stars; one submission).

Allele frequency attached by ClinVar (database versions not stated): gnomAD 0.00009 and 0.00011; TOPMed 0.00019.
gnomAD v4.1: 26 of 1,409,126 alleles (0.0018%); highest among the groups gnomAD compares: African/African-American, 0.025%; no homozygotes.

Submission:

Labcorp Genetics (formerly Invitae), Labcorp
Classification: Uncertain significance. Last evaluated: 2025-07-23. Review status: criteria provided, single submitter. Criteria: Invitae Variant Classification Sherloc (09022015). Collection method: clinical testing. Allele origin: germline.
Comment: This sequence change falls in intron 1 of the ERBB2 gene. It does not directly change the encoded amino acid sequence of the ERBB2 protein. It affects a nucleotide within the consensus splice site. This variant is present in population databases (no rsID available, gnomAD 0.02%). This variant has not been reported in the literature in individuals affected with ERBB2-related conditions. ClinVar contains an entry for this variant (Variation ID: 1471617). Variants that disrupt the consensus splice site are a relatively common cause of aberrant splicing (PMID: 17576681, 9536098). Algorithms developed to predict the effect of sequence changes on RNA splicing suggest that this variant is not likely to affect RNA splicing. In summary, the available evidence is currently insufficient to determine the role of this variant in disease. Therefore, it has been classified as a Variant of Uncertain Significance.

Literature cited by the submitters: PubMed 17576681; PubMed 9536098.

NM_004448.4(ERBB2):c.73+3G>A

Gene: ERBB2 (erb-b2 receptor tyrosine kinase 2; plus strand). Cytogenetic location: 17q12.
Variant type: single nucleotide variant.
Coding change: c.73+3G>A on transcript NM_004448.4 (MANE Select); 3 bases into the intron after coding-DNA position 73, G replaced by A.
Molecular consequence: intron variant.
Genome position (GRCh38, 1-based): chr17:39,700,314, G>A. VCF-style: chr17-39700314-G-A. GRCh37 (hg19) VCF-style: chr17-37856567-G-A.
Other names: c.-18+5133G>A (NM_001382782.1, NM_001005862.3, NM_001289938.2); c.28+727G>A (NM_001289936.2); c.-143+3G>A (NM_001382783.1); c.73+3G>A (NM_001382787.1, NM_001382784.1, NM_001382786.1 and 21 more transcripts).
Identifiers: ClinVar variation 1471617 (VCV001471617.6), dbSNP rs1036425677, ClinGen allele CA290420224.